The following is an entry in ClinVar:

ClinVar aggregate classification (germline): Uncertain significance (1 of 4 stars; one submission).

Allele frequency attached by ClinVar (database versions not stated): gnomAD exomes below 0.00001; TOPMed below 0.00001; gnomAD 0.00001.
gnomAD v4.1: 2 of 1,610,802 alleles (0.00012%); highest among the groups gnomAD compares: South Asian, 0.0011%; no homozygotes.

Submission:

Labcorp Genetics (formerly Invitae), Labcorp
Classification: Uncertain significance. Last evaluated: 2021-05-17. Review status: criteria provided, single submitter. Criteria: Invitae Variant Classification Sherloc (09022015). Collection method: clinical testing. Allele origin: germline.
Comment: In summary, the available evidence is currently insufficient to determine the role of this variant in disease. Therefore, it has been classified as a Variant of Uncertain Significance. Nucleotide substitutions within the consensus splice site are a relatively common cause of aberrant splicing (PMID: 17576681, 9536098). Algorithms developed to predict the effect of sequence changes on RNA splicing suggest that this variant is not likely to affect RNA splicing, but this prediction has not been confirmed by published transcriptional studies. This variant has not been reported in the literature in individuals with PCLO-related conditions. This sequence change falls in intron 13 of the PCLO gene. It does not directly change the encoded amino acid sequence of the PCLO protein. It affects a nucleotide within the consensus splice site of the intron. This variant is not present in population databases (ExAC no frequency).

Literature cited by the submitters: PubMed 17576681; PubMed 9536098.

NM_033026.6(PCLO):c.14046+6G>A

Gene: PCLO (piccolo presynaptic cytomatrix protein; minus strand). Cytogenetic location: 7q21.11.
Variant type: single nucleotide variant.
Coding change: c.14046+6G>A on transcript NM_033026.6 (MANE Select); 6 bases into the intron after coding-DNA position 14046, G replaced by A.
Molecular consequence: intron variant.
Genome position (GRCh38, 1-based): chr7:82,845,265, C>T on the plus strand (G>A on the coding strand, the complement: PCLO is on the minus strand). VCF-style: chr7-82845265-C-T. GRCh37 (hg19) VCF-style: chr7-82474581-C-T.
Other names: c.14046+6G>A (NM_014510.3).
Identifiers: ClinVar variation 1471189 (VCV001471189.6), dbSNP rs1792468370, ClinGen allele CA1103801475.